The following is an entry in ClinVar:

NM_002292.4(LAMB2):c.2558G>A (p.Arg853Gln)

Genes: LAMB2 (laminin subunit beta 2; minus strand), LOC129936738 (ATAC-STARR-seq lymphoblastoid active region 19855; plus strand). Cytogenetic location: 3p21.31.
Variant type: single nucleotide variant.
Coding change: c.2558G>A on transcript NM_002292.4 (MANE Select); coding-DNA position 2558, G replaced by A.
Protein change: p.Arg853Gln; replaces arginine 853 with glutamine.
Molecular consequence: missense variant.
Genome position (GRCh38, 1-based): chr3:49,125,415, C>T on the plus strand (G>A on the coding strand, the complement: LAMB2 is on the minus strand). VCF-style: chr3-49125415-C-T. GRCh37 (hg19) VCF-style: chr3-49162848-C-T.
Other names: short protein forms R853Q.
Identifiers: ClinVar variation 1055301 (VCV001055301.3), dbSNP rs774703538, ClinGen allele CA2394277.

ClinVar aggregate classification (germline): Uncertain significance (1 of 4 stars; one submission).

Conditions:
Pierson syndrome. Also called: MICROCORIA-CONGENITAL NEPHROTIC SYNDROME. Identifiers: Orphanet 2670, MedGen C1836876, MONDO:0012184, OMIM 609049.
LAMB2-related infantile-onset nephrotic syndrome. Also called: NEPHROTIC SYNDROME, TYPE 5, WITHOUT OCULAR ABNORMALITIES; NEPHROTIC SYNDROME, TYPE 5, WITH OCULAR ABNORMALITIES; Nephrotic Syndrome, type 5. Identifiers: Orphanet 306507, MedGen C3280113, MONDO:0013621, OMIM 614199.

Allele frequency attached by ClinVar (database versions not stated): ExAC 0.00003.
gnomAD v4.1: 14 of 1,613,870 alleles (0.00087%); highest among the groups gnomAD compares: Middle Eastern, 0.016%; no homozygotes.

Submission:

Labcorp Genetics (formerly Invitae), Labcorp
Classification: Uncertain significance for LAMB2-related infantile-onset nephrotic syndrome; Pierson syndrome. Last evaluated: 2022-08-16. Review status: criteria provided, single submitter. Criteria: Invitae Variant Classification Sherloc (09022015). Collection method: clinical testing. Allele origin: germline.
Comment: In summary, the available evidence is currently insufficient to determine the role of this variant in disease. Therefore, it has been classified as a Variant of Uncertain Significance. Algorithms developed to predict the effect of missense changes on protein structure and function output the following: SIFT: "Deleterious"; PolyPhen-2: "Benign"; Align-GVGD: "Class C35". The glutamine amino acid residue is found in multiple mammalian species, which suggests that this missense change does not adversely affect protein function. ClinVar contains an entry for this variant (Variation ID: 1055301). This variant has not been reported in the literature in individuals affected with LAMB2-related conditions. This variant is present in population databases (rs774703538, gnomAD 0.003%). This sequence change replaces arginine, which is basic and polar, with glutamine, which is neutral and polar, at codon 853 of the LAMB2 protein (p.Arg853Gln).